The following is an entry in ClinVar:

NM_182961.4(SYNE1):c.20250A>C (p.Leu6750Phe)

Gene: SYNE1 (spectrin repeat containing nuclear envelope protein 1; minus strand). Cytogenetic location: 6q25.2.
Variant type: single nucleotide variant.
Coding change: c.20250A>C on transcript NM_182961.4 (MANE Select); coding-DNA position 20250, A replaced by C.
Protein change: p.Leu6750Phe; replaces leucine 6750 with phenylalanine.
Molecular consequence: missense variant.
Genome position (GRCh38, 1-based): chr6:152,236,253, T>G on the plus strand (A>C on the coding strand, the complement: SYNE1 is on the minus strand). VCF-style: chr6-152236253-T-G. GRCh37 (hg19) VCF-style: chr6-152557388-T-G.
Other names: c.20037A>C, p.Leu6679Phe (NM_033071.5); short protein forms L6679F, L6750F.
Identifiers: ClinVar variation 3571901 (VCV003571901.1).

ClinVar aggregate classification (germline): Uncertain significance (1 of 4 stars; one submission).

gnomAD v4.1: 2 of 1,613,998 alleles (0.00012%); highest among the groups gnomAD compares: Admixed American, 0.0033%; no homozygotes.

Submission:

Athena Diagnostics
Classification: Uncertain significance. Last evaluated: 2023-10-27. Review status: criteria provided, single submitter. Criteria: Athena Diagnostics Criteria. Collection method: clinical testing. Allele origin: unknown.
Comment: Available data are insufficient to determine the clinical significance of the variant at this time. The frequency of this variant in the general population is uninformative in assessment of its pathogenicity. Computational tools disagree on the variant's effect on normal protein function.